The following is an entry in ClinVar:

NM_004999.4(MYO6):c.897G>T (p.Glu299Asp)

Gene: MYO6 (myosin VI; plus strand). Cytogenetic location: 6q14.1.
Variant type: single nucleotide variant.
Coding change: c.897G>T on transcript NM_004999.4 (MANE Select); coding-DNA position 897, G replaced by T.
Protein change: p.Glu299Asp; replaces glutamic acid 299 with aspartic acid.
Molecular consequence: missense variant. On other transcripts: non-coding transcript variant (1).
Genome position (GRCh38, 1-based): chr6:75,844,977, G>T. VCF-style: chr6-75844977-G-T. GRCh37 (hg19) VCF-style: chr6-76554694-G-T.
Other names: c.897G>T, p.Glu299Asp (NM_001300899.2, NM_001368136.1, NM_001368137.1 and 2 more transcripts); c.882G>T, p.Glu294Asp (NM_001368138.1); short protein forms E299D, E294D.
Identifiers: ClinVar variation 402263 (VCV000402263.3), dbSNP rs1060499799, ClinGen allele CA16609563.

ClinVar aggregate classification (germline): Likely pathogenic. Review status: criteria provided, single submitter (1 of 4 stars). 2 submissions from 2 submitters: Likely pathogenic (1). 1 of the submissions does not count toward it. Last evaluated 2020-08-01.

Conditions:
Autosomal dominant nonsyndromic hearing loss 22. Also called: DFNA 22; Autosomal dominant nonsyndromic deafness 22. Identifiers: Orphanet 228012, MedGen C2931767, MONDO:0011660, OMIM 606346.
Autosomal recessive nonsyndromic hearing loss 37. Identifiers: Orphanet 90636, MedGen C1843028, MONDO:0011912, OMIM 607821.

Submissions (2):

King Laboratory, University of Washington
Classification: Likely pathogenic for Autosomal recessive nonsyndromic hearing loss 37. Last evaluated: 2020-08-01. Review status: criteria provided, single submitter. Criteria: Abu Rayyan A et al. (Proc Natl Acad Sci U S A 2020). Collection method: research. Allele origin: germline. Affected: yes.
Comment: Experimental analysis of patient-derived RNA indicates that MYO6 c.897G>T (p.E299D) disrupts the splice donor of exon 10, leading to loss of 81bp in message and predicted loss of aa 275-301 in the ATPase domain (Abu Rayyan 2020). The variant is homozygous in 7 children from 2 Palestinian families with profound post-lingual hearing loss (Abu Rayyan 2020). It is absent from 1300 Palestinian controls and absent from gnomAD v2.1.1.

Hereditary Research Laboratory, Bethlehem University
Classification: Pathogenic for Autosomal dominant nonsyndromic hearing loss 22. Last evaluated: 2016-06-04. Review status: no assertion criteria provided. Collection method: research. Allele origin: germline. Affected: yes. Not counted in ClinVar's aggregate classification.
Comment: Late onset (>30), progressive, SNHL